The following is an entry in ClinVar:

ClinVar aggregate classification (germline): Uncertain significance (1 of 4 stars; one submission).

Submission:

GeneDx
Classification: Uncertain significance. Last evaluated: 2024-02-04. Review status: criteria provided, single submitter. Criteria: GeneDx Variant Classification Process June 2021. Collection method: clinical testing. Allele origin: germline. Affected: yes.
Comment: Not observed at significant frequency in large population cohorts (gnomAD); In silico analysis supports that this missense variant does not alter protein structure/function; Has not been previously published as pathogenic or benign to our knowledge

NM_001042424.3(NSD2):c.1943A>G (p.Gln648Arg)

Gene: NSD2 (nuclear receptor binding SET domain protein 2; plus strand). Cytogenetic location: 4p16.3.
Variant type: single nucleotide variant.
Coding change: c.1943A>G on transcript NM_001042424.3 (MANE Select); coding-DNA position 1943, A replaced by G.
Protein change: p.Gln648Arg; replaces glutamine 648 with arginine.
Molecular consequence: missense variant.
Genome position (GRCh38, 1-based): chr4:1,951,133, A>G. VCF-style: chr4-1951133-A-G. GRCh37 (hg19) VCF-style: chr4-1952860-A-G.
Other names: c.1943A>G, p.Gln648Arg (NM_133330.3, NM_133331.3, NM_133335.4); short protein forms Q648R.
Identifiers: ClinVar variation 3368626 (VCV003368626.1).